The following is an entry in ClinVar:

ClinVar aggregate classification (germline): Uncertain significance. Review status: criteria provided, multiple submitters, no conflicts (2 of 4 stars). 3 submissions from 3 submitters: Uncertain significance (3). Last evaluated 2025-11-25.

Conditions:
Pheochromocytoma/paraganglioma syndrome 5. Also called: Paragangliomas 5; SDHA-Related Hereditary Paraganglioma-Pheochromocytoma Syndrome. Identifiers: Orphanet 29072, MedGen C3279992, MONDO:0013602, OMIM 614165.
Mitochondrial complex II deficiency, nuclear type 1. Also called: SUCCINATE CoQ REDUCTASE DEFICIENCY. Identifiers: Orphanet 3208, MedGen C5700310, MONDO:0100294, OMIM 252011.
Hereditary cancer-predisposing syndrome. Also called: Tumor predisposition; Hereditary neoplastic syndrome; Neoplastic Syndromes, Hereditary; Hereditary Cancer Syndrome. Identifiers: Orphanet 140162, MedGen C0027672, MeSH D009386, MONDO:0015356.

Allele frequency attached by ClinVar (database versions not stated): TOPMed 0.00002.

Submissions (3):

Labcorp Genetics (formerly Invitae), Labcorp
Classification: Uncertain significance for Pheochromocytoma/paraganglioma syndrome 5; Mitochondrial complex II deficiency, nuclear type 1. Last evaluated: 2025-11-25. Review status: criteria provided, single submitter. Criteria: Invitae Variant Classification Sherloc (09022015). Collection method: clinical testing. Allele origin: germline.
Comment: This sequence change replaces glycine, which is neutral and non-polar, with valine, which is neutral and non-polar, at codon 6 of the SDHA protein (p.Gly6Val). The frequency data for this variant in the population databases is considered unreliable, as metrics indicate poor data quality at this position in the gnomAD database. This variant has not been reported in the literature in individuals affected with SDHA-related conditions. ClinVar contains an entry for this variant (Variation ID: 849161). Invitae Evidence Modeling of protein sequence and biophysical properties (such as structural, functional, and spatial information, amino acid conservation, physicochemical variation, residue mobility, and thermodynamic stability) indicates that this missense variant is not expected to disrupt SDHA protein function with a negative predictive value of 95%. In summary, the available evidence is currently insufficient to determine the role of this variant in disease. Therefore, it has been classified as a Variant of Uncertain Significance.

Ambry Genetics
Classification: Uncertain significance for Hereditary cancer-predisposing syndrome. Last evaluated: 2024-08-05. Review status: criteria provided, single submitter. Criteria: Ambry Variant Classification Scheme 2023. Collection method: clinical testing. Allele origin: germline.

GeneDx
Classification: Uncertain significance. Last evaluated: 2023-12-13. Review status: criteria provided, single submitter. Criteria: GeneDx Variant Classification Process June 2021. Collection method: clinical testing. Allele origin: germline. Affected: yes.
Comment: Not observed at significant frequency in large population cohorts (gnomAD); In silico analysis supports that this missense variant does not alter protein structure/function; Has not been previously published as pathogenic or benign to our knowledge

NM_004168.4(SDHA):c.17G>T (p.Gly6Val)

Gene: SDHA (succinate dehydrogenase complex flavoprotein subunit A; plus strand). Cytogenetic location: 5p15.33.
Variant type: single nucleotide variant.
Coding change: c.17G>T on transcript NM_004168.4 (MANE Select); coding-DNA position 17, G replaced by T.
Protein change: p.Gly6Val; replaces glycine 6 with valine.
Molecular consequence: missense variant.
Genome position (GRCh38, 1-based): chr5:218,372, G>T. VCF-style: chr5-218372-G-T. GRCh37 (hg19) VCF-style: chr5-218487-G-T.
Other names: c.17G>T, p.Gly6Val (NM_001294332.2, NM_001330758.2); short protein forms G6V.
Identifiers: ClinVar variation 849161 (VCV000849161.12), dbSNP rs187964306, ClinGen allele CA3172684.
Genomic context (GRCh38, chr5:218,372, plus strand): 5'-GTCTGCGCAGGGACTGGCGGGACTGCGCGGCGGCAACAGCAGACATGTCGGGGGTCCGGG[G>T]CCTGTCGCGGCTGCTGAGCGCTCGGCGCCTGGCGCTGGCCAAGGCGGTGAGTCCGTGCCG-3'
Protein context (NP_004159.2, residues 1-16): MSGVR[Gly6Val]LSRLLSARRL